The following is an entry in ClinVar:

ClinVar aggregate classification (germline): Uncertain significance (1 of 4 stars; one submission).

Conditions:
Hereditary cancer-predisposing syndrome. Also called: Neoplastic Syndromes, Hereditary; Tumor predisposition; Hereditary Cancer Syndrome; Hereditary neoplastic syndrome. Identifiers: Orphanet 140162, MedGen C0027672, MeSH D009386, MONDO:0015356.

Submission:

Ambry Genetics
Classification: Uncertain significance for Hereditary cancer-predisposing syndrome. Last evaluated: 2026-03-15. Review status: criteria provided, single submitter. Criteria: Ambry Variant Classification Scheme 2023. Collection method: clinical testing. Allele origin: germline.
Comment: The p.E495Q variant (also known as c.1483G>C), located in coding exon 9 of the PDGFRA gene, results from a G to C substitution at nucleotide position 1483. The glutamic acid at codon 495 is replaced by glutamine, an amino acid with highly similar properties. This amino acid position is conserved. In addition, this alteration is predicted to be tolerated by in silico analysis. Based on the available evidence, the clinical significance of this variant remains unclear.

NM_006206.6(PDGFRA):c.1483G>C (p.Glu495Gln)

Gene: PDGFRA (platelet derived growth factor receptor alpha; plus strand). Cytogenetic location: 4q12.
Variant type: single nucleotide variant.
Coding change: c.1483G>C on transcript NM_006206.6 (MANE Select); coding-DNA position 1483, G replaced by C.
Protein change: p.Glu495Gln; replaces glutamic acid 495 with glutamine.
Molecular consequence: missense variant.
Genome position (GRCh38, 1-based): chr4:54,273,655, G>C. VCF-style: chr4-54273655-G-C. GRCh37 (hg19) VCF-style: chr4-55139822-G-C.
Other names: c.1483G>C, p.Glu495Gln (NM_001347827.2, NM_001347829.2); c.1558G>C, p.Glu520Gln (NM_001347828.2); c.1522G>C, p.Glu508Gln (NM_001347830.2); short protein forms E495Q, E508Q, E520Q.
Identifiers: ClinVar variation 4861719 (VCV004861719.1).